The following is an entry in ClinVar:

ClinVar aggregate classification (germline): Uncertain significance. Review status: criteria provided, multiple submitters, no conflicts (2 of 4 stars). 3 submissions from 3 submitters: Uncertain significance (3). Last evaluated 2025-03-04.

Conditions:
Inborn genetic diseases. Identifiers: MedGen C0950123, MeSH D030342.
Dyskeratosis congenita, autosomal dominant 6 (DKCA6). Identifiers: Orphanet 3322, MedGen C4225284, MONDO:0014690, OMIM 616553.

Allele frequency attached by ClinVar (database versions not stated): TOPMed below 0.00001; gnomAD 0.00001; gnomAD exomes 0.00002; ExAC 0.00003.
gnomAD v4.1: 12 of 1,614,010 alleles (0.00074%); highest among the groups gnomAD compares: Non-Finnish European, 0.001%; no homozygotes.

Submissions (3):

Center for Genomic Medicine, Rigshospitalet, Copenhagen University Hospital
Classification: Uncertain significance. Last evaluated: 2025-03-04. Review status: criteria provided, single submitter. Criteria: ACMG Guidelines, 2015. Collection method: clinical testing. Allele origin: germline.

Labcorp Genetics (formerly Invitae), Labcorp
Classification: Uncertain significance for Dyskeratosis congenita, autosomal dominant 6. Last evaluated: 2025-03-03. Review status: criteria provided, single submitter. Criteria: Invitae Variant Classification Sherloc (09022015). Collection method: clinical testing. Allele origin: germline.
Comment: This sequence change replaces alanine, which is neutral and non-polar, with serine, which is neutral and polar, at codon 499 of the ACD protein (p.Ala499Ser). This variant is present in population databases (rs779041176, gnomAD 0.005%). This variant has not been reported in the literature in individuals affected with ACD-related conditions. ClinVar contains an entry for this variant (Variation ID: 1060080). Invitae Evidence Modeling of protein sequence and biophysical properties (such as structural, functional, and spatial information, amino acid conservation, physicochemical variation, residue mobility, and thermodynamic stability) indicates that this missense variant is not expected to disrupt ACD protein function with a negative predictive value of 80%. In summary, the available evidence is currently insufficient to determine the role of this variant in disease. Therefore, it has been classified as a Variant of Uncertain Significance.

Ambry Genetics
Classification: Uncertain significance for Inborn genetic diseases. Last evaluated: 2024-11-14. Review status: criteria provided, single submitter. Criteria: Ambry Variant Classification Scheme 2023. Collection method: clinical testing. Allele origin: germline.
Comment: The p.A499S variant (also known as c.1495G>T), located in coding exon 11 of the ACD gene, results from a G to T substitution at nucleotide position 1495. The alanine at codon 499 is replaced by serine, an amino acid with similar properties. This amino acid position is conserved. In addition, this alteration is predicted to be tolerated by in silico analysis. Since supporting evidence is limited at this time, the clinical significance of this alteration remains unclear.

NM_001082486.2(ACD):c.1237G>T (p.Ala413Ser)

Gene: ACD (ACD shelterin complex subunit and telomerase recruitment factor; minus strand). Cytogenetic location: 16q22.1.
Variant type: single nucleotide variant.
Coding change: c.1237G>T on transcript NM_001082486.2 (MANE Select); coding-DNA position 1237, G replaced by T.
Protein change: p.Ala413Ser; replaces alanine 413 with serine.
Molecular consequence: missense variant.
Genome position (GRCh38, 1-based): chr16:67,657,823, C>A on the plus strand (G>T on the coding strand, the complement: ACD is on the minus strand). VCF-style: chr16-67657823-C-A. GRCh37 (hg19) VCF-style: chr16-67691726-C-A.
Other names: c.1228G>T, p.Ala410Ser (NM_022914.3); short protein forms A410S, A413S.
Identifiers: ClinVar variation 1060080 (VCV001060080.11), dbSNP rs779041176, ClinGen allele CA8114392.